The following is an entry in ClinVar:

NM_001024843.2(TNRC6B):c.104A>C (p.Glu35Ala)

Gene: TNRC6B (trinucleotide repeat containing adaptor 6B; plus strand). Cytogenetic location: 22q13.1.
Variant type: single nucleotide variant.
Coding change: c.104A>C on transcript NM_001024843.2; coding-DNA position 104, A replaced by C.
Protein change: p.Glu35Ala; replaces glutamic acid 35 with alanine.
Molecular consequence: missense variant.
Genome position (GRCh38, 1-based): chr22:40,156,173, A>C. VCF-style: chr22-40156173-A-C. GRCh37 (hg19) VCF-style: chr22-40552177-A-C.
Other names: short protein forms E35A.
Identifiers: ClinVar variation 1341761 (VCV001341761.3), dbSNP rs1601847316, ClinGen allele CA411972443.
Genomic context (GRCh38, chr22:40,156,173, plus strand): 5'-AGGTGGAACAGGAGGATTTTGTAATGGAAGGGCATGGCAAGACTCCACCTCCTGGTGAAG[A>C]AAGCAAACAGTGAGTCACAGTTTATTTAAAAAGAGTCCTATTACAGATCCTCGGAAACAC-3'

ClinVar aggregate classification (germline): Uncertain significance (1 of 4 stars; one submission).

Submission:

New York Genome Center
Classification: Uncertain significance. Last evaluated: 2021-02-05. Review status: criteria provided, single submitter. Criteria: NYGC Assertion Criteria 2020. Collection method: clinical testing. Allele origin: germline. Observed: 1 heterozygote. Study: CSER-NYCKidSeq.
Comment: The c.104A>C, p.Glu35Ala missense variant identified in TNRC6B has not been reported in the literature. This variant is absent in the gnomAD v3 database, indicating this is a rare allele. In silico analysis predicts conflicting interpretations of pathogenicity [PMID:27268795]. Based on the available evidence, the missense variant c.104A>C, p.Glu35Ala in the TNRC6B gene is classified as a Variant of Uncertain Significance.